The following is an entry in ClinVar:

ClinVar aggregate classification (germline): Pathogenic. Review status: reviewed by expert panel (3 of 4 stars). 3 submissions from 3 submitters: Pathogenic (1). 2 of the submissions do not count toward it. Last evaluated 2024-12-05.

Conditions:
Mucopolysaccharidosis type 1. Also called: IDUA deficiency; MPS I; Mucopolysaccharidosis Type I. Identifiers: Orphanet 579, MedGen C0023786, MONDO:0001586.

Allele frequency attached by ClinVar (database versions not stated): gnomAD 0.00001; TOPMed 0.00001.

Submissions (3):

ClinGen Lysosomal Storage Disorder Variant Curation Expert Panel
Classification: Pathogenic for Mucopolysaccharidosis type 1. Last evaluated: 2024-12-05. Review status: reviewed by expert panel. Criteria: ClinGen LSD ACMG Specifications IDUA V1.0.0. Collection method: curation. Allele origin: germline. Inheritance: Autosomal recessive inheritance.
Comment: The NM_000203.5:c.1198C>T (p.Gln400Ter) variant in IDUA is a nonsense variant predicted to cause a premature stop codon in biologically-relevant exon 9 out of 14, leading to nonsense mediated decay in a gene in which loss-of-function is an established disease mechanism (PVS1). At least 3 patients with this variant had documented IDUA deficiency within the affected range in leukocytes and urinary GAG elevation above normal range (PP4; PMIDs: 31194252, 11735025). This variant has been detected in at least 1 individual with MPS I. This individual was compound heterozygous for the variant and a pathogenic variant (c.590-7G>A) that was not confirmed in trans (PM3_Supporting; PMID: 11735025). The highest population minor allele frequency in gnomAD v4.0 is 0.000005417 (6/1107690 alleles) in the European non-Finnish population, which is lower than the ClinGen Lysosomal Diseases VCEP’s threshold for PM2_Supporting (<0.00025), meeting this criterion (PM2_Supporting). To our knowledge, the results of functional assays have not been reported for this variant. In summary, this variant meets the criteria to be classified as pathogenic for MPS I based on the IDUA-specific ACMG/AMP criteria applied, as specified by the ClinGen Lysosomal Diseases Variant Curation Expert panel (Specifications Version 1.0.0): PVS1, PP4, PM3_Supporting, PM2_Supporting. (Classification approved by the ClinGen Lysosomal Diseases Variant Curation Expert Panel on December 5, 2024)

Natera, Inc.
Classification: Pathogenic for Mucopolysaccharidosis type I. Last evaluated: 2025-06-27. Review status: criteria provided, single submitter. Criteria: Natera Variant Classification Schema (03/2026). Collection method: clinical testing. Allele origin: germline. Not counted in ClinVar's aggregate classification.
Comment: The c.1198C>T variant in IDUA is a nonsense variant predicted to introduce a stop codon at amino acid 400. This variant is expected to result in nonsense mediated decay, truncation, or a dysfunctional protein product. This variant is rare in the general population with a frequency below the threshold expected for the associated phenotype(s). This variant has been observed in one or more individuals affected with the associated recessive disease, as either homozygous or compound heterozygous with a second variant (PMID: 15081804). Given the available evidence, this variant is classified as Pathogenic.

Women's Health and Genetics/Laboratory Corporation of America, LabCorp
Classification: Pathogenic for Mucopolysaccharidosis type 1. Last evaluated: 2022-04-25. Review status: criteria provided, single submitter. Criteria: LabCorp Variant Classification Summary - May 2015. Collection method: clinical testing. Allele origin: germline. Not counted in ClinVar's aggregate classification.
Comment: Variant summary: IDUA c.1198C>T (p.Gln400X) results in a premature termination codon, predicted to cause a truncation of the encoded protein or absence of the protein due to nonsense mediated decay, which are commonly known mechanisms for disease. Truncations downstream of this position have been classified as pathogenic by our laboratory. The variant allele was found at a frequency of 1.1e-05 in 91448 control chromosomes (gnomAD). c.1198C>T has been reported in the literature in individuals affected with Mucopolysaccharidosis Type 1 (Beesley_2001, Hein_2004, Clarke_2019). These data indicate that the variant is likely to be associated with disease. To our knowledge, no experimental evidence demonstrating an impact on protein function has been reported. No clinical diagnostic laboratories have submitted clinical-significance assessments for this variant to ClinVar after 2014. Based on the evidence outlined above, the variant was classified as pathogenic.

Literature cited by the submitters: PubMed 15081804 (cited by Natera, Inc. and Women's Health and Genetics/Laboratory Corporation of America, LabCorp); PubMed 11735025 (cited by Women's Health and Genetics/Laboratory Corporation of America, LabCorp); PubMed 28752568 (cited by Women's Health and Genetics/Laboratory Corporation of America, LabCorp); PubMed 31194252 (cited by Women's Health and Genetics/Laboratory Corporation of America, LabCorp).

NM_000203.5(IDUA):c.1198C>T (p.Gln400Ter)

Gene: IDUA (alpha-L-iduronidase; plus strand). Cytogenetic location: 4p16.3.
Variant type: single nucleotide variant.
Coding change: c.1198C>T on transcript NM_000203.5 (MANE Select); coding-DNA position 1198, C replaced by T.
Protein change: p.Gln400Ter; replaces glutamine 400 with a stop codon.
Molecular consequence: nonsense. On other transcripts: non-coding transcript variant (1).
Genome position (GRCh38, 1-based): chr4:1,002,740, C>T. VCF-style: chr4-1002740-C-T. GRCh37 (hg19) VCF-style: chr4-996528-C-T.
Other names: NM_000203.5(IDUA):c.1198C>T; p.Gln400Ter; c.802C>T, p.Gln268Ter (NM_001363576.1); short protein forms Q268*, Q400*.
Identifiers: ClinVar variation 1683229 (VCV001683229.3), dbSNP rs1354690186, ClinGen allele CA355963534.